The following is an entry in ClinVar:

NM_000060.2:c.933delT

Gene: BTD (biotinidase; plus strand).
Variant type: Deletion.
Other names: c.933delT (NM_000060.2).
Identifiers: ClinVar variation 4216767 (VCV004216767.1).

ClinVar aggregate classification (germline): Pathogenic (1 of 4 stars; one submission).

Conditions:
Inborn genetic diseases. Identifiers: MedGen C0950123, MeSH D030342.

Submission:

Ambry Genetics
Classification: Pathogenic for Inborn genetic diseases. Last evaluated: 2025-07-22. Review status: criteria provided, single submitter. Criteria: Ambry Variant Classification Scheme 2023. Collection method: clinical testing. Allele origin: germline.
Comment: The c.933delT (p.S311Rfs*23) alteration, located in exon 4 (coding exon 4) of the BTD gene, consists of a deletion of one nucleotide at position 933, causing a translational frameshift with a predicted alternate stop codon after 23 amino acids. This variant is not expected to trigger nonsense-mediated mRNA decay and impacts the last 42% of the protein. However, premature stop codons are typically deleterious in nature and a significant portion of the protein is affected (Ambry internal data). Based on data from gnomAD, the - allele has an overall frequency of 0.001% (3/282788) total alleles studied. The highest observed frequency was 0.002% (3/129108) of European (non-Finnish) alleles. This variant has been identified in conjunction with other BTD variants in individuals with biotinidase deficiency; in at least one instance, the variants were identified in trans (Pomponio, 1997; Mil&aacute;nkovics, 2007; Cowan, 2012; Borsatto, 2014; Wolf, 2017). Based on the available evidence, this alteration is classified as pathogenic.

Literature cited by the submitters: PubMed 9396567; PubMed 17185019; PubMed 22698809; PubMed 25174816; PubMed 27657684.